The following is an entry in ClinVar:

ClinVar aggregate classification (germline): Uncertain significance (1 of 4 stars; one submission).

Conditions:
Capillary malformation-arteriovenous malformation syndrome. Also called: Capillary malformation-arteriovenous malformation. Identifiers: Orphanet 137667, MedGen C1842180, MONDO:0012016.

Submission:

Labcorp Genetics (formerly Invitae), Labcorp
Classification: Uncertain significance for Capillary malformation-arteriovenous malformation syndrome. Last evaluated: 2023-03-23. Review status: criteria provided, single submitter. Criteria: Invitae Variant Classification Sherloc (09022015). Collection method: clinical testing. Allele origin: germline.
Comment: This sequence change replaces tyrosine, which is neutral and polar, with aspartic acid, which is acidic and polar, at codon 553 of the RASA1 protein (p.Tyr553Asp). This variant is not present in population databases (gnomAD no frequency). This variant has not been reported in the literature in individuals affected with RASA1-related conditions. An algorithm developed to predict the effect of missense changes on protein structure and function (PolyPhen-2) suggests that this variant is likely to be disruptive. In summary, the available evidence is currently insufficient to determine the role of this variant in disease. Therefore, it has been classified as a Variant of Uncertain Significance.

NM_002890.3(RASA1):c.1657T>G (p.Tyr553Asp)

Genes: CCNH (cyclin H; minus strand), RASA1 (RAS p21 protein activator 1; plus strand). Cytogenetic location: 5q14.3.
Variant type: single nucleotide variant.
Coding change: c.1657T>G on transcript NM_002890.3 (MANE Select); coding-DNA position 1657, T replaced by G.
Protein change: p.Tyr553Asp; replaces tyrosine 553 with aspartic acid.
Molecular consequence: missense variant. On other transcripts: intron variant (1).
Genome position (GRCh38, 1-based): chr5:87,369,859, T>G. VCF-style: chr5-87369859-T-G. GRCh37 (hg19) VCF-style: chr5-86665676-T-G.
Other names: c.1126T>G, p.Tyr376Asp (NM_022650.3); c.933+25185A>C (NM_001364075.2); short protein forms Y376D, Y553D.
Identifiers: ClinVar variation 2848728 (VCV002848728.3), dbSNP rs2531324322, ClinGen allele CA360371922.